The following is an entry in ClinVar:

NM_024513.4(FYCO1):c.3292G>A (p.Ala1098Thr)

Gene: FYCO1 (FYVE and coiled-coil domain autophagy adaptor 1; minus strand). Cytogenetic location: 3p21.31.
Variant type: single nucleotide variant.
Coding change: c.3292G>A on transcript NM_024513.4 (MANE Select); coding-DNA position 3292, G replaced by A.
Protein change: p.Ala1098Thr; replaces alanine 1098 with threonine.
Molecular consequence: missense variant. On other transcripts: non-coding transcript variant (1).
Genome position (GRCh38, 1-based): chr3:45,962,370, C>T on the plus strand (G>A on the coding strand, the complement: FYCO1 is on the minus strand). VCF-style: chr3-45962370-C-T. GRCh37 (hg19) VCF-style: chr3-46003862-C-T.
Other names: c.3292G>A, p.Ala1098Thr (NM_001386421.1, NM_001386422.1, NM_001386423.1 and 4 more transcripts); c.3172G>A, p.Ala1058Thr (NM_001386426.1); c.3148G>A, p.Ala1050Thr (NM_001386427.1); c.2692G>A, p.Ala898Thr (NM_001386430.1); short protein forms A1058T, A1098T, A1050T, A898T.
Identifiers: ClinVar variation 2403913 (VCV002403913.5), dbSNP rs747684269, ClinGen allele CA2352823.

ClinVar aggregate classification (germline): Uncertain significance. Review status: criteria provided, multiple submitters, no conflicts (2 of 4 stars). 2 submissions from 2 submitters: Uncertain significance (2). Last evaluated 2026-04-01.

Conditions:
Inborn genetic diseases. Identifiers: MedGen C0950123, MeSH D030342.

Allele frequency attached by ClinVar (database versions not stated): ExAC 0.00003.
gnomAD v4.1: 61 of 1,614,152 alleles (0.0038%); highest among the groups gnomAD compares: Middle Eastern, 0.082%; no homozygotes.

Submissions (2):

CeGaT Center for Human Genetics Tuebingen
Classification: Uncertain significance. Last evaluated: 2026-04-01. Review status: criteria provided, single submitter. Criteria: CeGaT Center For Human Genetics Tuebingen Variant Classification Criteria Version 2. Collection method: clinical testing. Allele origin: germline. Affected: yes. Observed: 1 variant allele.
Comment: FYCO1: PM2:Supporting, BP4

Ambry Genetics
Classification: Uncertain significance for Inborn genetic diseases. Last evaluated: 2025-01-27. Review status: criteria provided, single submitter. Criteria: Ambry Variant Classification Scheme 2023. Collection method: clinical testing. Allele origin: germline.